The following is an entry in ClinVar:

NM_000525.4(KCNJ11):c.186G>A (p.Thr62=)

Gene: KCNJ11 (potassium inwardly rectifying channel subfamily J member 11; minus strand). Cytogenetic location: 11p15.1.
Variant type: single nucleotide variant.
Coding change: c.186G>A on transcript NM_000525.4 (MANE Select); coding-DNA position 186, G replaced by A.
Protein change: p.Thr62=; no amino-acid change (threonine 62 retained).
Molecular consequence: synonymous variant. On other transcripts: intron variant (3).
Genome position (GRCh38, 1-based): chr11:17,387,906, C>T on the plus strand (G>A on the coding strand, the complement: KCNJ11 is on the minus strand). VCF-style: chr11-17387906-C-T. GRCh37 (hg19) VCF-style: chr11-17409453-C-T.
Other names: c.-16-60G>A (NM_001166290.2, NM_001377297.1, NM_001377296.1).
Identifiers: ClinVar variation 989946 (VCV000989946.11), dbSNP rs748877741, ClinGen allele CA5902328.
Genomic context (GRCh38, chr11:17,387,906, plus strand): 5'-GCTGCACAGGAAGGACATGGTGAAGATGAGCAATGTGTGTGGCCACTTGAGGTCCACCAG[C>T]GTGGTGAACACGTCCTGCAGGAAGCGGCCCTGCTCCCGGATGTTCTTGTGGGCCACGTTG-3'
Protein context (NP_000516.3, residues 52-72): QGRFLQDVFT[Thr62=]LVDLKWPHTL

ClinVar aggregate classification (germline): Conflicting classifications of pathogenicity. Review status: criteria provided, conflicting classifications (1 of 4 stars). 4 submissions from 4 submitters: Uncertain significance (1); Likely benign (2). 1 of the submissions does not count toward it. Last evaluated 2026-09-01.

Conditions:
Permanent neonatal diabetes mellitus (PNDM). Identifiers: Orphanet 99885, MedGen C1833104, MONDO:0100164, MONDO:0011643. Disease mechanism: gain of function.
Maturity-onset diabetes of the young (MODY). Also called: Maturity onset diabetes mellitus in young. Identifiers: Orphanet 552, MedGen C0342276, MONDO:0018911, HP:0004904.

Allele frequency attached by ClinVar (database versions not stated): gnomAD exomes 0.00001 and 0.00002; ExAC 0.00002; gnomAD 0.00008 and 0.00009; TOPMed 0.00010.

Submissions (4):

CeGaT Center for Human Genetics Tuebingen
Classification: Likely benign. Last evaluated: 2026-09-01. Review status: criteria provided, single submitter. Criteria: CeGaT Center For Human Genetics Tuebingen Variant Classification Criteria Version 2. Collection method: clinical testing. Allele origin: germline. Affected: yes. Observed: 1 variant allele.
Comment: KCNJ11: BP4, BP7

Labcorp Genetics (formerly Invitae), Labcorp
Classification: Likely benign. Last evaluated: 2024-03-14. Review status: criteria provided, single submitter. Criteria: Invitae Variant Classification Sherloc (09022015). Collection method: clinical testing. Allele origin: germline.

Clinical Genomics, Uppaluri K&H Personalized Medicine Clinic
Classification: Uncertain significance for Maturity-onset diabetes of the young. Review status: criteria provided, single submitter. Criteria: K&H Uppaluri Personalized Medicine Clinic Variant Classification & Assertion Criteria. Collection method: research. Allele origin: somatic. Inheritance: Autosomal dominant inheritance.
Comment: Mutations in KCNJ11 gene can cause decreased production and secretion of insulin. This can lead to MODY which may be responsive to oral sulfonylureas. It is also associated with Neonatal Diabetes. However, no sufficient evidence is found to ascertain the role of rs748877741 variant in MODY yet.

Natera, Inc.
Classification: Uncertain significance for Permanent neonatal diabetes mellitus. Last evaluated: 2020-04-13. Review status: no assertion criteria provided. Collection method: clinical testing. Allele origin: germline. Not counted in ClinVar's aggregate classification.

Literature cited by the submitters: PubMed 26448950 (cited by Clinical Genomics, Uppaluri K&H Personalized Medicine Clinic); PubMed 15580558 (cited by Clinical Genomics, Uppaluri K&H Personalized Medicine Clinic); PubMed 15718250 (cited by Clinical Genomics, Uppaluri K&H Personalized Medicine Clinic); PubMed 32935446 (cited by Clinical Genomics, Uppaluri K&H Personalized Medicine Clinic); PubMed 22701567 (cited by Clinical Genomics, Uppaluri K&H Personalized Medicine Clinic).